The following is an entry in ClinVar:

NM_005228.5(EGFR):c.2414A>T (p.His805Leu)

Genes: EGFR (epidermal growth factor receptor; plus strand), EGFR-AS1 (EGFR antisense RNA 1; minus strand). Cytogenetic location: 7p11.2.
Variant type: single nucleotide variant.
Coding change: c.2414A>T on transcript NM_005228.5 (MANE Select); coding-DNA position 2414, A replaced by T.
Protein change: p.His805Leu; replaces histidine 805 with leucine.
Molecular consequence: missense variant. On other transcripts: non-coding transcript variant (1).
Genome position (GRCh38, 1-based): chr7:55,181,423, A>T. VCF-style: chr7-55181423-A-T. GRCh37 (hg19) VCF-style: chr7-55249116-A-T.
Other names: c.2279A>T, p.His760Leu (NM_001346897.2, NM_001346899.2); c.2414A>T, p.His805Leu (NM_001346898.2); c.2255A>T, p.His752Leu (NM_001346900.2); c.1613A>T, p.His538Leu (NM_001346941.2); short protein forms H805L, H760L, H538L, H752L.
Identifiers: ClinVar variation 2731648 (VCV002731648.4), dbSNP rs2128958752, ClinGen allele CA367578949.

ClinVar aggregate classification (germline): Uncertain significance. Review status: criteria provided, multiple submitters, no conflicts (2 of 4 stars). 2 submissions from 2 submitters: Uncertain significance (2). Last evaluated 2026-01-21.

Conditions:
EGFR-related lung cancer (EGFR). Identifiers: MedGen CN130014.
Hereditary cancer-predisposing syndrome. Also called: Tumor predisposition; Hereditary Cancer Syndrome; Hereditary neoplastic syndrome; Neoplastic Syndromes, Hereditary. Identifiers: Orphanet 140162, MedGen C0027672, MeSH D009386, MONDO:0015356.

Allele frequency attached by ClinVar (database versions not stated): gnomAD exomes below 0.00001.
gnomAD v4.1: 2 of 1,614,230 alleles (0.00012%); highest among the groups gnomAD compares: Non-Finnish European, 0.00017%; no homozygotes.

Submissions (2):

Ambry Genetics
Classification: Uncertain significance for Hereditary cancer-predisposing syndrome. Last evaluated: 2026-01-21. Review status: criteria provided, single submitter. Criteria: Ambry Variant Classification Scheme 2023. Collection method: clinical testing. Allele origin: germline.
Comment: The p.H805L variant (also known as c.2414A>T), located in coding exon 20 of the EGFR gene, results from an A to T substitution at nucleotide position 2414. The histidine at codon 805 is replaced by leucine, an amino acid with similar properties. This amino acid position is highly conserved in available vertebrate species. In addition, this alteration is predicted to be deleterious by in silico analysis. Based on the available evidence, the clinical significance of this variant remains unclear.

Labcorp Genetics (formerly Invitae), Labcorp
Classification: Uncertain significance for EGFR-related lung cancer. Last evaluated: 2023-06-28. Review status: criteria provided, single submitter. Criteria: Invitae Variant Classification Sherloc (09022015). Collection method: clinical testing. Allele origin: germline.
Comment: This variant has not been reported in the literature in individuals affected with EGFR-related conditions. This variant is not present in population databases (gnomAD no frequency). This sequence change replaces histidine, which is basic and polar, with leucine, which is neutral and non-polar, at codon 805 of the EGFR protein (p.His805Leu). Advanced modeling of protein sequence and biophysical properties (such as structural, functional, and spatial information, amino acid conservation, physicochemical variation, residue mobility, and thermodynamic stability) performed at Invitae indicates that this missense variant is not expected to disrupt EGFR protein function. In summary, the available evidence is currently insufficient to determine the role of this variant in disease. Therefore, it has been classified as a Variant of Uncertain Significance.